The following is an entry in ClinVar:

NM_001378609.3(OTOGL):c.2303C>T (p.Pro768Leu)

Gene: OTOGL (otogelin like; plus strand). Cytogenetic location: 12q21.31.
Variant type: single nucleotide variant.
Coding change: c.2303C>T on transcript NM_001378609.3 (MANE Select); coding-DNA position 2303, C replaced by T.
Protein change: p.Pro768Leu; replaces proline 768 with leucine.
Molecular consequence: missense variant.
Genome position (GRCh38, 1-based): chr12:80,266,529, C>T. VCF-style: chr12-80266529-C-T. GRCh37 (hg19) VCF-style: chr12-80660309-C-T.
Other names: c.2303C>T, p.Pro768Leu (NM_001368062.3, NM_001378610.3, NM_173591.7); short protein forms P768L.
Identifiers: ClinVar variation 1519641 (VCV001519641.7), dbSNP rs540809976, ClinGen allele CA6700732.

ClinVar aggregate classification (germline): Conflicting classifications of pathogenicity. Review status: criteria provided, conflicting classifications (1 of 4 stars). 3 submissions from 3 submitters: Uncertain significance (2); Likely benign (1). Last evaluated 2024-06-11.

Conditions:
Inborn genetic diseases. Identifiers: MedGen C0950123, MeSH D030342.

Allele frequency attached by ClinVar (database versions not stated): ExAC 0.00003; gnomAD exomes 0.00004 and 0.00005; TOPMed 0.00010; gnomAD 0.00011 and 0.00014.
gnomAD v4.1: 77 of 1,613,140 alleles (0.0048%); highest among the groups gnomAD compares: African/African-American, 0.035%; no homozygotes.

Submissions (3):

Ambry Genetics
Classification: Likely benign for Inborn genetic diseases. Last evaluated: 2024-06-11. Review status: criteria provided, single submitter. Criteria: Ambry Variant Classification Scheme 2023. Collection method: clinical testing. Allele origin: germline.

Labcorp Genetics (formerly Invitae), Labcorp
Classification: Uncertain significance. Last evaluated: 2022-07-05. Review status: criteria provided, single submitter. Criteria: Invitae Variant Classification Sherloc (09022015). Collection method: clinical testing. Allele origin: germline.
Comment: This sequence change replaces proline, which is neutral and non-polar, with leucine, which is neutral and non-polar, at codon 759 of the OTOGL protein (p.Pro759Leu). This variant is present in population databases (rs540809976, gnomAD 0.03%). This variant has not been reported in the literature in individuals affected with OTOGL-related conditions. ClinVar contains an entry for this variant (Variation ID: 1519641). Algorithms developed to predict the effect of missense changes on protein structure and function output the following: SIFT: "Tolerated"; PolyPhen-2: "Benign"; Align-GVGD: "Class C0". The leucine amino acid residue is found in multiple mammalian species, which suggests that this missense change does not adversely affect protein function. In summary, the available evidence is currently insufficient to determine the role of this variant in disease. Therefore, it has been classified as a Variant of Uncertain Significance.

GeneDx
Classification: Uncertain significance. Last evaluated: 2022-04-15. Review status: criteria provided, single submitter. Criteria: GeneDx Variant Classification Process June 2021. Collection method: clinical testing. Allele origin: germline. Affected: yes.
Comment: In silico analysis supports that this missense variant has a deleterious effect on protein structure/function; Has not been previously published as pathogenic or benign to our knowledge